The following is an entry in ClinVar:

ClinVar aggregate classification (germline): Uncertain significance (1 of 4 stars; one submission).

Conditions:
Combined immunodeficiency due to ZAP70 deficiency (IMD48). Also called: Immunodeficiency 48; ZAP70 Deficiency. Identifiers: Orphanet 911, MedGen C2931299, MONDO:0010023, OMIM 269840.

Submission:

Labcorp Genetics (formerly Invitae), Labcorp
Classification: Uncertain significance for Combined immunodeficiency due to ZAP70 deficiency. Last evaluated: 2025-03-18. Review status: criteria provided, single submitter. Criteria: Invitae Variant Classification Sherloc (09022015). Collection method: clinical testing. Allele origin: germline.
Comment: This sequence change falls in intron 3 of the ZAP70 gene. It does not directly change the encoded amino acid sequence of the ZAP70 protein. It affects a nucleotide within the consensus splice site. This variant is not present in population databases (gnomAD no frequency). This variant has not been reported in the literature in individuals affected with ZAP70-related conditions. Variants that disrupt the consensus splice site are a relatively common cause of aberrant splicing (PMID: 17576681, 9536098). Algorithms developed to predict the effect of sequence changes on RNA splicing suggest that this variant may create or strengthen a splice site. In summary, the available evidence is currently insufficient to determine the role of this variant in disease. Therefore, it has been classified as a Variant of Uncertain Significance.

Literature cited by the submitters: PubMed 17576681; PubMed 9536098.

NM_001079.4(ZAP70):c.402+5G>C

Gene: ZAP70 (zeta chain of T cell receptor associated protein kinase 70; plus strand). Cytogenetic location: 2q11.2.
Variant type: single nucleotide variant.
Coding change: c.402+5G>C on transcript NM_001079.4 (MANE Select); 5 bases into the intron after coding-DNA position 402, G replaced by C.
Molecular consequence: intron variant.
Genome position (GRCh38, 1-based): chr2:97,724,443, G>C. VCF-style: chr2-97724443-G-C. GRCh37 (hg19) VCF-style: chr2-98340906-G-C.
Other names: c.402+5G>C (NM_001378594.1).
Identifiers: ClinVar variation 4744812 (VCV004744812.1).